The following is an entry in ClinVar:

ClinVar aggregate classification (germline): Likely benign. Review status: criteria provided, single submitter (1 of 4 stars). 2 submissions from 2 submitters: Likely benign (1). 1 of the submissions does not count toward it. Last evaluated 2025-03-30.

Conditions:
PHIP-related disorder. Also called: PHIP-related disorders; PHIP-related condition.

Allele frequency attached by ClinVar (database versions not stated): TOPMed 0.00001; gnomAD 0.00004; gnomAD exomes 0.00007; ExAC 0.00008; 1000 Genomes Project 30x 0.00016; 1000 Genomes Project 0.00020.
gnomAD v4.1: 108 of 1,610,208 alleles (0.0067%); highest among the groups gnomAD compares: South Asian, 0.12%; 1 homozygote.

Submissions (2):

Labcorp Genetics (formerly Invitae), Labcorp
Classification: Likely benign. Last evaluated: 2025-03-30. Review status: criteria provided, single submitter. Criteria: Invitae Variant Classification Sherloc (09022015). Collection method: clinical testing. Allele origin: germline.

PreventionGenetics, part of Exact Sciences
Classification: Likely benign for PHIP-related condition. Last evaluated: 2022-01-17. Review status: no assertion criteria provided. Collection method: clinical testing. Allele origin: germline. Not counted in ClinVar's aggregate classification.
Comment: This variant is classified as likely benign based on ACMG/AMP sequence variant interpretation guidelines (Richards et al. 2015 PMID: 25741868, with internal and published modifications).

NM_017934.7(PHIP):c.340+4T>A

Gene: PHIP (PHIP subunit of CUL4-Ring ligase complex; minus strand). Cytogenetic location: 6q14.1.
Variant type: single nucleotide variant.
Coding change: c.340+4T>A on transcript NM_017934.7 (MANE Select); 4 bases into the intron after coding-DNA position 340, T replaced by A.
Molecular consequence: intron variant.
Genome position (GRCh38, 1-based): chr6:79,060,664, A>T on the plus strand (T>A on the coding strand, the complement: PHIP is on the minus strand). VCF-style: chr6-79060664-A-T. GRCh37 (hg19) VCF-style: chr6-79770381-A-T.
Other names: c.340+4T>A (NM_017934.6).
Identifiers: ClinVar variation 2413305 (VCV002413305.8), dbSNP rs531878191, ClinGen allele CA3900399.